The following is an entry in ClinVar:

ClinVar aggregate classification (germline): Uncertain significance (1 of 4 stars; one submission).

Conditions:
Marfan syndrome (MFS). Also called: MARFAN SYNDROME, TYPE I; Marfan syndrome type 1; Marfan's syndrome; Marfan syndrome, classic; FBN1-Related Marfan Syndrome. Identifiers: Orphanet 284963, Orphanet 558, MedGen C0024796, MONDO:0007947, OMIM 154700.
Familial thoracic aortic aneurysm and aortic dissection (TAAD). Also called: Thoracic aortic aneurysms and dissections. Identifiers: Orphanet 91387, MedGen C4707243, MONDO:0019625.

Submission:

Labcorp Genetics (formerly Invitae), Labcorp
Classification: Uncertain significance for Marfan syndrome; Familial thoracic aortic aneurysm and aortic dissection. Last evaluated: 2024-03-16. Review status: criteria provided, single submitter. Criteria: Invitae Variant Classification Sherloc (09022015). Collection method: clinical testing. Allele origin: germline.
Comment: This sequence change replaces proline, which is neutral and non-polar, with leucine, which is neutral and non-polar, at codon 1737 of the FBN1 protein (p.Pro1737Leu). This variant is not present in population databases (gnomAD no frequency). This variant has not been reported in the literature in individuals affected with FBN1-related conditions. ClinVar contains an entry for this variant (Variation ID: 1470316). Advanced modeling of protein sequence and biophysical properties (such as structural, functional, and spatial information, amino acid conservation, physicochemical variation, residue mobility, and thermodynamic stability) performed at Invitae indicates that this missense variant is expected to disrupt FBN1 protein function with a positive predictive value of 95%. In summary, the available evidence is currently insufficient to determine the role of this variant in disease. Therefore, it has been classified as a Variant of Uncertain Significance.

NM_000138.5(FBN1):c.5210C>T (p.Pro1737Leu)

Gene: FBN1 (fibrillin 1; minus strand). Cytogenetic location: 15q21.1.
Variant type: single nucleotide variant.
Coding change: c.5210C>T on transcript NM_000138.5 (MANE Select); coding-DNA position 5210, C replaced by T.
Protein change: p.Pro1737Leu; replaces proline 1737 with leucine.
Molecular consequence: missense variant.
Genome position (GRCh38, 1-based): chr15:48,463,096, G>A on the plus strand (C>T on the coding strand, the complement: FBN1 is on the minus strand). VCF-style: chr15-48463096-G-A. GRCh37 (hg19) VCF-style: chr15-48755293-G-A.
Other names: short protein forms P1737L.
Identifiers: ClinVar variation 1470316 (VCV001470316.6), dbSNP rs2141266510, ClinGen allele CA392348993.